The following is an entry in ClinVar:

NM_004963.4(GUCY2C):c.1003A>G (p.Met335Val)

Genes: GUCY2C (guanylate cyclase 2C; minus strand), GUCY2C-AS1 (GUCY2C antisense RNA 1; plus strand). Cytogenetic location: 12p12.3.
Variant type: single nucleotide variant.
Coding change: c.1003A>G on transcript NM_004963.4 (MANE Select); coding-DNA position 1003, A replaced by G.
Protein change: p.Met335Val; replaces methionine 335 with valine.
Molecular consequence: missense variant.
Genome position (GRCh38, 1-based): chr12:14,674,706, T>C on the plus strand (A>G on the coding strand, the complement: GUCY2C is on the minus strand). VCF-style: chr12-14674706-T-C. GRCh37 (hg19) VCF-style: chr12-14827640-T-C.
Other names: short protein forms M335V.
Identifiers: ClinVar variation 4692753 (VCV004692753.1).

ClinVar aggregate classification (germline): Uncertain significance (1 of 4 stars; one submission).

Submission:

Labcorp Genetics (formerly Invitae), Labcorp
Classification: Uncertain significance. Last evaluated: 2025-04-22. Review status: criteria provided, single submitter. Criteria: Invitae Variant Classification Sherloc (09022015). Collection method: clinical testing. Allele origin: germline.
Comment: This sequence change replaces methionine, which is neutral and non-polar, with valine, which is neutral and non-polar, at codon 335 of the GUCY2C protein (p.Met335Val). This variant is not present in population databases (gnomAD no frequency). This variant has not been reported in the literature in individuals affected with GUCY2C-related conditions. Invitae Evidence Modeling of protein sequence and biophysical properties (such as structural, functional, and spatial information, amino acid conservation, physicochemical variation, residue mobility, and thermodynamic stability) indicates that this missense variant is not expected to disrupt GUCY2C protein function with a negative predictive value of 80%. In summary, the available evidence is currently insufficient to determine the role of this variant in disease. Therefore, it has been classified as a Variant of Uncertain Significance.